The following is an entry in ClinVar:

ClinVar aggregate classification (germline): Uncertain significance. Review status: criteria provided, multiple submitters, no conflicts (2 of 4 stars). 2 submissions from 2 submitters: Uncertain significance (2). Last evaluated 2022-08-16.

Conditions:
Inborn genetic diseases. Identifiers: MedGen C0950123, MeSH D030342.
Granulomatous disease, chronic, autosomal recessive, cytochrome b-positive, type 2. Also called: GRANULOMATOUS DISEASE, CHRONIC, AUTOSOMAL RECESSIVE, 2; CGD, AUTOSOMAL RECESSIVE CYTOCHROME b-POSITIVE, TYPE II; GRANULOMATOUS DISEASE, CHRONIC, DUE TO NCF2 DEFICIENCY; Chronic granulomatous disease due to deficiency of NCF-2; Chronic Granulomatous Disease, Autosomal Recessive, Cytochrome b-Positive, Type II. Identifiers: Orphanet 379, MedGen C1856245, MONDO:0009310, OMIM 233710.

Allele frequency attached by ClinVar (database versions not stated): gnomAD below 0.00001 and 0.00001; TOPMed 0.00001; gnomAD exomes 0.00006 and 0.00014; 1000 Genomes Project 30x 0.00016; ExAC 0.00016; 1000 Genomes Project 0.00020.

Submissions (2):

Labcorp Genetics (formerly Invitae), Labcorp
Classification: Uncertain significance for Granulomatous disease, chronic, autosomal recessive, cytochrome b-positive, type 2. Last evaluated: 2022-08-16. Review status: criteria provided, single submitter. Criteria: Invitae Variant Classification Sherloc (09022015). Collection method: clinical testing. Allele origin: germline.
Comment: This sequence change replaces proline, which is neutral and non-polar, with leucine, which is neutral and non-polar, at codon 351 of the NCF2 protein (p.Pro351Leu). This variant is present in population databases (rs571460195, gnomAD 0.1%). This variant has not been reported in the literature in individuals affected with NCF2-related conditions. ClinVar contains an entry for this variant (Variation ID: 1024026). Algorithms developed to predict the effect of missense changes on protein structure and function output the following: SIFT: "Tolerated"; PolyPhen-2: "Benign"; Align-GVGD: "Class C0". The leucine amino acid residue is found in multiple mammalian species, which suggests that this missense change does not adversely affect protein function. In summary, the available evidence is currently insufficient to determine the role of this variant in disease. Therefore, it has been classified as a Variant of Uncertain Significance.

Ambry Genetics
Classification: Uncertain significance for Inborn genetic diseases. Last evaluated: 2021-08-12. Review status: criteria provided, single submitter. Criteria: Ambry Variant Classification Scheme 2023. Collection method: clinical testing. Allele origin: germline.

NM_000433.4(NCF2):c.1052C>T (p.Pro351Leu)

Gene: NCF2 (neutrophil cytosolic factor 2; minus strand). Cytogenetic location: 1q25.3.
Variant type: single nucleotide variant.
Coding change: c.1052C>T on transcript NM_000433.4 (MANE Select); coding-DNA position 1052, C replaced by T.
Protein change: p.Pro351Leu; replaces proline 351 with leucine.
Molecular consequence: missense variant.
Genome position (GRCh38, 1-based): chr1:183,563,560, G>A on the plus strand (C>T on the coding strand, the complement: NCF2 is on the minus strand). VCF-style: chr1-183563560-G-A. GRCh37 (hg19) VCF-style: chr1-183532695-G-A.
Other names: c.1052C>T, p.Pro351Leu (NM_001127651.3); c.809C>T, p.Pro270Leu (NM_001190789.2); c.917C>T, p.Pro306Leu (NM_001190794.2); c.1052C>T (NM_000433.3); short protein forms P270L, P306L, P351L.
Identifiers: ClinVar variation 1024026 (VCV001024026.5), dbSNP rs571460195, ClinGen allele CA1284689.
Genomic context (GRCh38, chr1:183,563,560, plus strand): 5'-GGGAGCCCGGGCTGAGTCTTCATGACTACCGTGTACTTGTAGTGCACCTTGAGTGTGTAG[G>A]GCATGGGAACACTGAGCTTCACTTCCTGAGTGGGGAGGAAACAAAGGGAACTCCTGAGTG-3'
Protein context (NP_000424.2, residues 341-361): PKEVKLSVPM[Pro351Leu]YTLKVHYKYT